The following is an entry in ClinVar:

ClinVar aggregate classification (germline): Uncertain significance (1 of 4 stars; one submission).

Conditions:
Hereditary cancer-predisposing syndrome. Also called: Neoplastic Syndromes, Hereditary; Hereditary Cancer Syndrome; Hereditary neoplastic syndrome; Tumor predisposition. Identifiers: Orphanet 140162, MedGen C0027672, MeSH D009386, MONDO:0015356.

Submission:

Ambry Genetics
Classification: Uncertain significance for Hereditary cancer-predisposing syndrome. Last evaluated: 2023-06-10. Review status: criteria provided, single submitter. Criteria: Ambry Variant Classification Scheme 2023. Collection method: clinical testing. Allele origin: germline.
Comment: The p.V175L variant (also known as c.523G>T), located in coding exon 3 of the CHEK2 gene, results from a G to T substitution at nucleotide position 523. The valine at codon 175 is replaced by leucine, an amino acid with highly similar properties. This amino acid position is not well conserved in available vertebrate species. In addition, this alteration is predicted to be tolerated by in silico analysis. Since supporting evidence is limited at this time, the clinical significance of this alteration remains unclear.

NM_007194.4(CHEK2):c.523G>T (p.Val175Leu)

Gene: CHEK2 (checkpoint kinase 2; minus strand). Cytogenetic location: 22q12.1.
Variant type: single nucleotide variant.
Coding change: c.523G>T on transcript NM_007194.4 (MANE Select); coding-DNA position 523, G replaced by T.
Protein change: p.Val175Leu; replaces valine 175 with leucine.
Molecular consequence: missense variant. On other transcripts: 5 prime UTR variant (2), intron variant (1).
Genome position (GRCh38, 1-based): chr22:28,725,046, C>A on the plus strand (G>T on the coding strand, the complement: CHEK2 is on the minus strand). VCF-style: chr22-28725046-C-A. GRCh37 (hg19) VCF-style: chr22-29121034-C-A.
Other names: c.652G>T, p.Val218Leu (NM_001005735.3, NM_001438294.1); c.-255G>T (NM_001257387.3); c.-141G>T (NM_001437942.1); c.616G>T, p.Val206Leu (NM_001438293.1, NM_001438295.1); c.523G>T, p.Val175Leu (NM_145862.3); c.445-123G>T (NM_001349956.3); short protein forms V218L, V175L, V206L.
Identifiers: ClinVar variation 2566550 (VCV002566550.2), dbSNP rs2053942160, ClinGen allele CA411107330.